The following is an entry in ClinVar:

NM_001875.5(CPS1):c.3695del (p.Lys1232fs)

Gene: CPS1 (carbamoyl-phosphate synthase 1; plus strand). Cytogenetic location: 2q34.
Variant type: Deletion.
Coding change: c.3695del on transcript NM_001875.5 (MANE Select); coding-DNA position 3695, one base deleted (A; older notation c.3695delA).
Protein change: p.Lys1232fs; shifts the reading frame from lysine 1232.
Molecular consequence: frameshift variant. On other transcripts: non-coding transcript variant (2).
Genome position (GRCh38, 1-based): chr2:210,658,627, A deleted; the last of 3 consecutive A bases (chr2:210,658,625-210,658,627); deleting any one gives the same sequence. VCF-style (leftmost placement, unchanged base first): chr2-210658624-CA-C. GRCh37 (hg19) VCF-style: chr2-211523348-CA-C.
Other names: c.3695del, p.Lys1232fs (NM_001122633.3, NM_001369257.1); c.3728del, p.Lys1243fs (NM_001369256.1); short protein forms K1243fs, K1232fs.
Identifiers: ClinVar variation 2701905 (VCV002701905.3), dbSNP rs2469326851, ClinGen allele CA2697550364.

ClinVar aggregate classification (germline): Pathogenic (1 of 4 stars; one submission).

Conditions:
Congenital hyperammonemia, type I. Also called: Carbamoyl phosphate synthetase 1 deficiency; Hyperammonemia due to carbamoyl phosphate synthetase 1 deficiency; CPS 1 deficiency; Carbamyl phosphate synthetase (CPS) deficiency; Carbamoyl phosphate synthetase I deficiency disease; CPS I DEFICIENCY. Identifiers: Orphanet 147, MedGen C4082171, MONDO:0009376, OMIM 237300.

Submission:

Labcorp Genetics (formerly Invitae), Labcorp
Classification: Pathogenic for Congenital hyperammonemia, type I. Last evaluated: 2023-12-09. Review status: criteria provided, single submitter. Criteria: Invitae Variant Classification Sherloc (09022015). Collection method: clinical testing. Allele origin: germline.
Comment: This sequence change creates a premature translational stop signal (p.Lys1232Argfs*22) in the CPS1 gene. It is expected to result in an absent or disrupted protein product. Loss-of-function variants in CPS1 are known to be pathogenic (PMID: 21120950). This variant is not present in population databases (gnomAD no frequency). This variant has not been reported in the literature in individuals affected with CPS1-related conditions. For these reasons, this variant has been classified as Pathogenic.

Literature cited by the submitters: PubMed 21120950.